The following is an entry in ClinVar:

NM_002476.2(MYL4):c.586T>C (p.Ser196Pro)

Gene: MYL4 (myosin light chain 4; plus strand). Cytogenetic location: 17q21.32.
Variant type: single nucleotide variant.
Coding change: c.586T>C on transcript NM_002476.2 (MANE Select); coding-DNA position 586, T replaced by C.
Protein change: p.Ser196Pro; replaces serine 196 with proline.
Molecular consequence: missense variant.
Genome position (GRCh38, 1-based): chr17:47,223,034, T>C. VCF-style: chr17-47223034-T-C. GRCh37 (hg19) VCF-style: chr17-45300400-T-C.
Other names: c.586T>C, p.Ser196Pro (NM_001002841.2); short protein forms S196P.
Identifiers: ClinVar variation 4779113 (VCV004779113.1).
Genomic context (GRCh38, chr17:47,223,034, plus strand): 5'-CGCTGAGCCACATGGTGGCTGATTTTCACTTTTTTCCTAGCCTTTGTCAAGCACATCATG[T>C]CAGGGTGAAGCAGAGTCTTCCAGGTGAGTGCAGCCTCTCCCTCCTGGTCCCTTCCGGGGT-3'
Protein context (NP_002467.1, residues 186-197): NYEAFVKHIM[Ser196Pro]G

ClinVar aggregate classification (germline): Uncertain significance (1 of 4 stars; one submission).

Conditions:
Atrial fibrillation, familial, 18 (ATFB18). Identifiers: MedGen C4310636, MONDO:0015001, OMIM 617280.

gnomAD v4.1: 2 of 1,614,184 alleles (0.00012%); highest among the groups gnomAD compares: Middle Eastern, 0.016%; no homozygotes.

Submission:

Labcorp Genetics (formerly Invitae), Labcorp
Classification: Uncertain significance for Atrial fibrillation, familial, 18. Last evaluated: 2025-04-01. Review status: criteria provided, single submitter. Criteria: Invitae Variant Classification Sherloc (09022015). Collection method: clinical testing. Allele origin: germline.
Comment: This sequence change replaces serine, which is neutral and polar, with proline, which is neutral and non-polar, at codon 196 of the MYL4 protein (p.Ser196Pro). This variant is not present in population databases (gnomAD no frequency). This variant has not been reported in the literature in individuals affected with MYL4-related conditions. An algorithm developed to predict the effect of missense changes on protein structure and function (PolyPhen-2) suggests that this variant is likely to be disruptive. In summary, the available evidence is currently insufficient to determine the role of this variant in disease. Therefore, it has been classified as a Variant of Uncertain Significance.